The following is an entry in ClinVar:

NM_015450.3(POT1):c.764A>C (p.Asn255Thr)

Gene: POT1 (protection of telomeres 1; minus strand). Cytogenetic location: 7q31.33.
Variant type: single nucleotide variant.
Coding change: c.764A>C on transcript NM_015450.3 (MANE Select); coding-DNA position 764, A replaced by C.
Protein change: p.Asn255Thr; replaces asparagine 255 with threonine.
Molecular consequence: missense variant. On other transcripts: non-coding transcript variant (3).
Genome position (GRCh38, 1-based): chr7:124,853,077, T>G on the plus strand (A>C on the coding strand, the complement: POT1 is on the minus strand). VCF-style: chr7-124853077-T-G. GRCh37 (hg19) VCF-style: chr7-124493131-T-G.
Other names: c.371A>C, p.Asn124Thr (NM_001042594.2); short protein forms N124T, N255T.
Identifiers: ClinVar variation 1305141 (VCV001305141.2), dbSNP rs2116504989, ClinGen allele CA369055570.
Genomic context (GRCh38, chr7:124,853,077, plus strand): 5'-ATTCCCCGACCGTAACTGGTACCTCCATGAAGATGAAACTCTAAACTTAACATTGTCTGA[T>G]TCTCTGAATTCATTGATTGAAGTTTGGTATGAAGGCTATAGATTCTAAGAAAGCTTCCAA-3'
Protein context (NP_056265.2, residues 245-265): HTKLQSMNSE[Asn255Thr]QTMLSLEFHL

ClinVar aggregate classification (germline): Uncertain significance (1 of 4 stars; one submission).

Submission:

GeneDx
Classification: Uncertain significance. Last evaluated: 2019-04-10. Review status: criteria provided, single submitter. Criteria: GeneDx Variant Classification Process June 2021. Collection method: clinical testing. Allele origin: germline. Affected: yes.
Comment: Not observed [at a significant frequency] in large population cohorts (Lek et al., 2016); In silico analysis, which includes protein predictors and evolutionary conservation, supports that this variant does not alter protein structure/function; Has not been previously published as pathogenic or benign to our knowledge